The following is an entry in ClinVar:

ClinVar aggregate classification (germline): Uncertain significance. Review status: reviewed by expert panel (3 of 4 stars). 3 submissions from 3 submitters: Uncertain significance (1). 2 of the submissions do not count toward it. Last evaluated 2025-08-01.

Conditions:
Malignant hyperthermia, susceptibility to, 1 (MHS1). Also called: Anesthesia related hyperthermia; Malignant hyperpyrexia; Fulminating hyperpyrexia; Pharmacogenic myopathy; RYR1-Related Malignant Hyperthermia Susceptibility; Malignant hyperthermia suceptibility 1. Identifiers: Orphanet 423, MedGen C2930980, MONDO:0007783, OMIM 145600.

Allele frequency attached by ClinVar (database versions not stated): gnomAD 0.00001; gnomAD exomes 0.00001.
gnomAD v4.1: 10 of 1,598,260 alleles (0.00063%); highest among the groups gnomAD compares: African/African-American, 0.0053%; no homozygotes.

Submissions (3):

ClinGen Malignant Hyperthermia Susceptibility Variant Curation Expert Panel, ClinGen
Classification: Uncertain significance for Malignant hyperthermia, susceptibility to, 1. Last evaluated: 2025-08-01. Review status: reviewed by expert panel. Criteria: ClinGen MHS ACMG Specifications V2. Collection method: curation. Allele origin: germline. Inheritance: Autosomal dominant inheritance.
Comment: This pathogenicity assessment is relevant only for malignant hyperthermia susceptibility (MHS) inherited in an autosomal dominant pattern. Variants in RYR1 can also cause other myopathies inherited in an autosomal dominant pattern or in an autosomal recessive pattern. Some of these disorders may predispose individuals to malignant hyperthermia. RYR1 variants may also contribute to a malignant hyperthermia reaction in combination with other genetic and non-genetic factors and the clinician needs to consider such factors in making management decisions. This sequence variant predicts a substitution of glutamic acid with glycine at codon 2348 of the RYR1 protein, p.(Glu2348Gly). The maximum allele frequency for this variant among the six major gnomAD populations is AFR: 0.000115, a frequency consistent with pathogenicity for MHS. This variant has been reported in three unrelated individuals who have a personal or family history of a malignant hyperthermia reaction, all of these individuals had a positive in vitro contracture test (IVCT) or caffeine halothane contracture test (CHCT) result (if the proband was unavailable for testing, a positive diagnostic test result in a mutation-positive relative was counted), PS4_Moderate (PMID:30236257, The UK (Leeds) MH Investigative Unit)). Functional studies in HEK293 cells did not show an increased sensitivity to RYR1 agonists, BS3_Supporting (PMID:36208971). This variant resides in a region of RYR1 considered to be a hotspot for pathogenic variants that contribute to MHS, PM1 (PMID: 21118704). A REVEL score >0.85 (0.964) supports a pathogenic status for this variant, PP3_Moderate. Based on using Bayes to combine criteria this variant is classified as a Variant of Uncertain Significance, (PMID: 29300386). Criteria implemented: PS4_Moderate, PM1, PP3_Moderate, BS3_Supporting

Revvity Omics, Revvity
Classification: Uncertain significance. Last evaluated: 2019-11-26. Review status: criteria provided, single submitter. Criteria: ACMG Guidelines, 2015. Collection method: clinical testing. Allele origin: germline. Not counted in ClinVar's aggregate classification.

RYR1 database
No classification provided. Review status: no classification provided. Collection method: not provided. Allele origin: unknown. Not counted in ClinVar's aggregate classification.

NM_000540.3(RYR1):c.7043A>G (p.Glu2348Gly)

Gene: RYR1 (ryanodine receptor 1; plus strand). Cytogenetic location: 19q13.2.
Variant type: single nucleotide variant.
Coding change: c.7043A>G on transcript NM_000540.3 (MANE Select); coding-DNA position 7043, A replaced by G.
Protein change: p.Glu2348Gly; replaces glutamic acid 2348 with glycine.
Molecular consequence: missense variant.
Genome position (GRCh38, 1-based): chr19:38,499,650, A>G. VCF-style: chr19-38499650-A-G. GRCh37 (hg19) VCF-style: chr19-38990290-A-G.
Other names: NM_000540.2(RYR1):c.7043A>G; c.7043A>G, p.Glu2348Gly (NM_001042723.2); short protein forms E2348G.
Identifiers: ClinVar variation 133181 (VCV000133181.10), dbSNP rs193922801, ClinGen allele CA024686.